The following is an entry in ClinVar:

ClinVar aggregate classification (germline): Uncertain significance (1 of 4 stars; one submission).

gnomAD v4.1: 1 of 1,608,326 alleles (0.000062%); highest among the groups gnomAD compares: Non-Finnish European, 0.000085%; no homozygotes.

Submission:

Labcorp Genetics (formerly Invitae), Labcorp
Classification: Uncertain significance. Last evaluated: 2022-09-27. Review status: criteria provided, single submitter. Criteria: Invitae Variant Classification Sherloc (09022015). Collection method: clinical testing. Allele origin: germline.
Comment: This sequence change replaces lysine, which is basic and polar, with threonine, which is neutral and polar, at codon 1491 of the TOP2B protein (p.Lys1491Thr). This variant is not present in population databases (gnomAD no frequency). This variant has not been reported in the literature in individuals affected with TOP2B-related conditions. ClinVar contains an entry for this variant (Variation ID: 1007632). Algorithms developed to predict the effect of missense changes on protein structure and function (SIFT, PolyPhen-2, Align-GVGD) all suggest that this variant is likely to be tolerated. In summary, the available evidence is currently insufficient to determine the role of this variant in disease. Therefore, it has been classified as a Variant of Uncertain Significance.

NM_001330700.2(TOP2B):c.4487A>C (p.Lys1496Thr)

Gene: TOP2B (DNA topoisomerase II beta; minus strand). Cytogenetic location: 3p24.2.
Variant type: single nucleotide variant.
Coding change: c.4487A>C on transcript NM_001330700.2 (MANE Select); coding-DNA position 4487, A replaced by C.
Protein change: p.Lys1496Thr; replaces lysine 1496 with threonine.
Molecular consequence: missense variant.
Genome position (GRCh38, 1-based): chr3:25,604,762, T>G on the plus strand (A>C on the coding strand, the complement: TOP2B is on the minus strand). VCF-style: chr3-25604762-T-G. GRCh37 (hg19) VCF-style: chr3-25646253-T-G.
Other names: c.4472A>C, p.Lys1491Thr (NM_001068.3); short protein forms K1491T, K1496T.
Identifiers: ClinVar variation 1007632 (VCV001007632.5), dbSNP rs780325291, ClinGen allele CA351891462.